The following is an entry in ClinVar:

ClinVar aggregate classification (germline): Uncertain significance. Review status: criteria provided, multiple submitters, no conflicts (2 of 4 stars). 3 submissions from 3 submitters: Uncertain significance (3). Last evaluated 2024-12-10.

Conditions:
Hereditary cancer-predisposing syndrome. Also called: Tumor predisposition; Neoplastic Syndromes, Hereditary; Hereditary Cancer Syndrome; Hereditary neoplastic syndrome. Identifiers: Orphanet 140162, MedGen C0027672, MeSH D009386, MONDO:0015356.
Peutz-Jeghers syndrome (PJS). Also called: Peutz-Jeghers polyposis; Periorificial lentiginosis syndrome; POLYPOSIS, HAMARTOMATOUS INTESTINAL; POLYPS-AND-SPOTS SYNDROME. Identifiers: Orphanet 2869, MedGen C0031269, MeSH D010580, MONDO:0008280, OMIM 175200.

Allele frequency attached by ClinVar (database versions not stated): gnomAD exomes below 0.00001.
gnomAD v4.1: 4 of 1,599,362 alleles (0.00025%); highest among the groups gnomAD compares: South Asian, 0.0045%; no homozygotes.

Submissions (3):

GeneDx
Classification: Uncertain significance. Last evaluated: 2024-12-10. Review status: criteria provided, single submitter. Criteria: GeneDx Variant Classification Process June 2021. Collection method: clinical testing. Allele origin: germline. Affected: yes.
Comment: Not observed at significant frequency in large population cohorts (gnomAD); In silico analysis indicates that this missense variant does not alter protein structure/function; Has not been previously published as pathogenic or benign to our knowledge

Ambry Genetics
Classification: Uncertain significance for Hereditary cancer-predisposing syndrome. Last evaluated: 2023-07-04. Review status: criteria provided, single submitter. Criteria: Ambry Variant Classification Scheme 2023. Collection method: clinical testing. Allele origin: germline.
Comment: The p.L9P variant (also known as c.26T>C), located in coding exon 1 of the STK11 gene, results from a T to C substitution at nucleotide position 26. The leucine at codon 9 is replaced by proline, an amino acid with similar properties. This amino acid position is conserved. In addition, this alteration is predicted to be tolerated by in silico analysis. Since supporting evidence is limited at this time, the clinical significance of this alteration remains unclear.

Neuberg Centre For Genomic Medicine, NCGM
Classification: Uncertain significance for Peutz-Jeghers syndrome. Review status: criteria provided, single submitter. Criteria: ACMG Guidelines, 2015. Collection method: clinical testing. Allele origin: germline. Inheritance: Autosomal dominant inheritance. Affected: yes.
Comment: The variant has not been reported previously as a pathogenic variant nor as a benign variant, to our knowledge. The p.Leu9Pro variant is reported in gnomAD Exomes with the allele frequency of 0.000004493 and novel in 1000 Genomes. The amino acid Leu at position 9 is changed to a Pro changing protein sequence and it might alter its composition and physico-chemical properties. This variant has not been reported to the ClinVar database. The variant is predicted to be damaging by SIFT and the residue is conserved across species. The amino acid change p.Leu9Pro in STK11 is predicted as conserved by GERP++ and PhyloP across 100 vertebrates. The p.Leu9Pro variant is novel (not in any individuals) in 1000 Genomes. For these reasons, this variant has been classified as Uncertain Significance.

NM_000455.5(STK11):c.26T>C (p.Leu9Pro)

Gene: STK11 (serine/threonine kinase 11; plus strand). Cytogenetic location: 19p13.3.
Variant type: single nucleotide variant.
Coding change: c.26T>C on transcript NM_000455.5 (MANE Select); coding-DNA position 26, T replaced by C.
Protein change: p.Leu9Pro; replaces leucine 9 with proline.
Molecular consequence: missense variant. On other transcripts: non-coding transcript variant (1).
Genome position (GRCh38, 1-based): chr19:1,206,939, T>C. VCF-style: chr19-1206939-T-C. GRCh37 (hg19) VCF-style: chr19-1206938-T-C.
Other names: c.26T>C, p.Leu9Pro (NM_001407255.1); short protein forms L9P.
Identifiers: ClinVar variation 2585205 (VCV002585205.3), dbSNP rs764154797, ClinGen allele CA046750.
Genomic context (GRCh38, chr19:1,206,939, plus strand): 5'-GGCTGGCGGCGGGACTCCAGGACCCTGGGTCCAGCATGGAGGTGGTGGACCCGCAGCAGC[T>C]GGGCATGTTCACGGAGGGCGAGCTGATGTCGGTGGGTATGGACACGTTCATCCACCGCAT-3'
Protein context (NP_000446.1, residues 1-19): MEVVDPQQ[Leu9Pro]GMFTEGELMS